The following is an entry in ClinVar:

ClinVar aggregate classification (germline): Likely benign (1 of 4 stars; one submission).

Allele frequency attached by ClinVar (database versions not stated): gnomAD 0.00001; TOPMed 0.00001; gnomAD exomes 0.00005; ExAC 0.00016.
gnomAD v4.1: 47 of 1,104,285 alleles (0.0043%); highest among the groups gnomAD compares: South Asian, 0.03%; no homozygotes.

Submission:

CeGaT Center for Human Genetics Tuebingen
Classification: Likely benign. Last evaluated: 2023-01-01. Review status: criteria provided, single submitter. Criteria: CeGaT Center For Human Genetics Tuebingen Variant Classification Criteria Version 2. Collection method: clinical testing. Allele origin: germline. Affected: yes. Observed: 1 variant allele.
Comment: KLHL13: PP3, BS2

NM_001168302.2(KLHL13):c.50G>A (p.Arg17Gln)

Gene: KLHL13 (kelch like family member 13; minus strand). Cytogenetic location: Xq24.
Variant type: single nucleotide variant.
Coding change: c.50G>A on transcript NM_001168302.2 (MANE Select); coding-DNA position 50, G replaced by A.
Protein change: p.Arg17Gln; replaces arginine 17 with glutamine.
Molecular consequence: missense variant. On other transcripts: intron variant (2).
Genome position (GRCh38, 1-based): chrX:118,028,424, C>T on the plus strand (G>A on the coding strand, the complement: KLHL13 is on the minus strand). VCF-style: chrX-118028424-C-T. GRCh37 (hg19) VCF-style: chrX-117162387-C-T.
Other names: c.50G>A, p.Arg17Gln (NM_001168301.2); c.-28-82849G>A (NM_001394866.1); c.-55-82849G>A (NM_001168303.4); short protein forms R17Q.
Identifiers: ClinVar variation 2661260 (VCV002661260.24), dbSNP rs749874687, ClinGen allele CA10498104.
Genomic context (GRCh38, chrX:118,028,424, plus strand): 5'-TATGTTAGGTATATAAATAGGAAAGACGTTATATAAGTTAAACTATTTCCATAAATATAC[C>T]GGTTACGAAGTATTGCAGCAACCAATTCCCCTCTATGCAGATGATCCATCACCTCTAAAA-3'
Protein context (NP_001161774.1, residues 7-27): GELVAAILRN[Arg17Gln]SLVEEEDQHM